The following is an entry in ClinVar:

NM_033380.3(COL4A5):c.2500G>C (p.Gly834Arg)

Gene: COL4A5 (collagen type IV alpha 5 chain; plus strand). Cytogenetic location: Xq22.3.
Variant type: single nucleotide variant.
Coding change: c.2500G>C on transcript NM_033380.3 (MANE Select); coding-DNA position 2500, G replaced by C.
Protein change: p.Gly834Arg; replaces glycine 834 with arginine.
Molecular consequence: missense variant.
Genome position (GRCh38, 1-based): chrX:108,615,015, G>C. VCF-style: chrX-108615015-G-C. GRCh37 (hg19) VCF-style: chrX-107858245-G-C.
Other names: c.2500G>C, p.Gly834Arg (NM_000495.5); short protein forms G834R.
Identifiers: ClinVar variation 24529 (VCV000024529.15), dbSNP rs281874696, ClinGen allele CA258697.

ClinVar aggregate classification (germline): Pathogenic/Likely pathogenic. Review status: criteria provided, multiple submitters, no conflicts (2 of 4 stars). 5 submissions from 5 submitters: Pathogenic (4); Likely pathogenic (1). Last evaluated 2025-10-22.

Conditions:
X-linked Alport syndrome (ATS1). Also called: COL4A5-Related Nephropathy; NEPHROPATHY AND DEAFNESS, X-LINKED. Identifiers: Orphanet 63, Orphanet 88917, MedGen C4746986, MONDO:0010520, OMIM 301050.

Submissions (5):

Myriad Genetics, Inc.
Classification: Likely pathogenic for X-linked Alport syndrome. Last evaluated: 2025-10-22. Review status: criteria provided, single submitter. Criteria: Myriad Autosomal Dominant, Autosomal Recessive and X-Linked Classification Criteria (2023). Collection method: clinical testing. Allele origin: unknown.
Comment: NM_000495.4(COL4A5):c.2500G>C(G834R) is a missense variant classified as likely pathogenic in the context of X-linked Alport syndrome. G834R has been observed in a case with relevant disease (PMID: 20378821). Relevant functional assessments of this variant are not available in the literature. Internal structural analysis of the variant is supportive of pathogenicity. G834R has not been observed in referenced population frequency databases. In summary, NM_000495.4(COL4A5):c.2500G>C(G834R) is a missense variant that has internal structural support for pathogenicity and has been observed more frequently in cases with the relevant disease than in healthy populations. Please note: this variant was assessed in the context of healthy population screening.

Labcorp Genetics (formerly Invitae), Labcorp
Classification: Pathogenic. Last evaluated: 2023-10-22. Review status: criteria provided, single submitter. Criteria: Invitae Variant Classification Sherloc (09022015). Collection method: clinical testing. Allele origin: germline.
Comment: This sequence change replaces glycine, which is neutral and non-polar, with arginine, which is basic and polar, at codon 834 of the COL4A5 protein (p.Gly834Arg). This variant is not present in population databases (gnomAD no frequency). This missense change has been observed in individuals with Alport syndrome (PMID: 20378821; Invitae). ClinVar contains an entry for this variant (Variation ID: 24529). Advanced modeling of protein sequence and biophysical properties (such as structural, functional, and spatial information, amino acid conservation, physicochemical variation, residue mobility, and thermodynamic stability) performed at Invitae indicates that this missense variant is expected to disrupt COL4A5 protein function. This variant disrupts the triple helix domain of COL4A5. Glycine residues within the Gly-Xaa-Yaa repeats of the triple helix domain are required for the structure and stability of fibrillar collagens (PMID: 7695699, 8218237, 19344236). In COL4A5, missense variants at these glycine residues are significantly enriched in individuals with disease (PMID: 23720012, 27627812) compared to the general population (ExAC). For these reasons, this variant has been classified as Pathogenic.

Fulgent Genetics
Classification: Pathogenic for X-linked Alport syndrome. Last evaluated: 2022-04-13. Review status: criteria provided, single submitter. Criteria: ACMG Guidelines, 2015. Collection method: clinical testing. Allele origin: unknown.

GeneDx
Classification: Pathogenic. Last evaluated: 2019-11-15. Review status: criteria provided, single submitter. Criteria: GeneDx Variant Classification Process June 2021. Collection method: clinical testing. Allele origin: germline. Affected: yes.
Comment: Affects a glycine residue in a Gly-X-Y motif in the triple helical region of the COL4A5 gene, where the majority of pathogenic missense variants occur, and is predicted to disrupt normal protein folding and function (Stenson et al., 2014; Jais et al., 2000); Not observed in large population cohorts (Lek et al., 2016); In silico analysis, which includes protein predictors and evolutionary conservation, supports a deleterious effect; This variant is associated with the following publications: (PMID: 20378821)

Athena Diagnostics
Classification: Pathogenic. Last evaluated: 2019-05-16. Review status: criteria provided, single submitter. Criteria: Athena Diagnostics Criteria. Collection method: clinical testing. Allele origin: germline.
Comment: The variant disrupts a glycine residue in the canonical Gly-X-Y repeats of the triple helix domain, which are required for stability and structure of this protein. Therefore it is expected to severely affect the function of the protein. Found in at least one symptomatic patient, and not found in general population data. Predicted to have a damaging effect on the protein. One other pathogenic or likely pathogenic variant affects the same amino acid.

Literature cited by the submitters: PubMed 20378821 (cited by 3 submitters); PubMed 7695699 (cited by Labcorp Genetics (formerly Invitae), Labcorp); PubMed 8218237 (cited by Labcorp Genetics (formerly Invitae), Labcorp); PubMed 19344236 (cited by Labcorp Genetics (formerly Invitae), Labcorp); PubMed 23720012 (cited by Labcorp Genetics (formerly Invitae), Labcorp); PubMed 27627812 (cited by Labcorp Genetics (formerly Invitae), Labcorp).